The following is an entry in ClinVar:

NM_005732.4(RAD50):c.3484T>A (p.Tyr1162Asn)

Genes: TH2-LCR (Th2 cytokine locus control region; plus strand), TH2LCRR (T helper type 2 locus control region associated RNA; minus strand), RAD50 (RAD50 double strand break repair protein; plus strand). Cytogenetic location: 5q31.1.
Variant type: single nucleotide variant.
Coding change: c.3484T>A on transcript NM_005732.4 (MANE Select); coding-DNA position 3484, T replaced by A.
Protein change: p.Tyr1162Asn; replaces tyrosine 1162 with asparagine.
Molecular consequence: missense variant. On other transcripts: non-coding transcript variant (2).
Genome position (GRCh38, 1-based): chr5:132,638,089, T>A. VCF-style: chr5-132638089-T-A. GRCh37 (hg19) VCF-style: chr5-131973781-T-A.
Other names: short protein forms Y1162N.
Identifiers: ClinVar variation 2633246 (VCV002633246.2), dbSNP rs2479427427, ClinGen allele CA360931069.
Genomic context (GRCh38, chr5:132,638,089, plus strand): 5'-CAAAAGGCTACAGAGCATAGGTTCCTCTAAAATATTCTTCTTCCTGTGTCAGATATTGAA[T>A]ACATAGAAATACGGTCTGATGCCGATGAAAATGTATCAGCTTCTGATAAAAGGCGGAATT-3'
Protein context (NP_005723.2, residues 1152-1172): RSTYRGQDIE[Tyr1162Asn]IEIRSDADEN

ClinVar aggregate classification (germline): Uncertain significance. Review status: criteria provided, multiple submitters, no conflicts (2 of 4 stars). 2 submissions from 2 submitters: Uncertain significance (2). Last evaluated 2024-01-25.

Conditions:
Hereditary cancer-predisposing syndrome. Also called: Tumor predisposition; Neoplastic Syndromes, Hereditary; Hereditary neoplastic syndrome; Hereditary Cancer Syndrome. Identifiers: Orphanet 140162, MedGen C0027672, MeSH D009386, MONDO:0015356.
RAD50-related disorder. Also called: RAD50-related condition.

Allele frequency attached by ClinVar (database versions not stated): gnomAD exomes below 0.00001.
gnomAD v4.1: 2 of 1,614,088 alleles (0.00012%); highest among the groups gnomAD compares: African/African-American, 0.0027%; no homozygotes.

Submissions (2):

Ambry Genetics
Classification: Uncertain significance for Hereditary cancer-predisposing syndrome. Last evaluated: 2024-01-25. Review status: criteria provided, single submitter. Criteria: Ambry Variant Classification Scheme 2023. Collection method: clinical testing. Allele origin: germline.
Comment: The p.Y1162N variant (also known as c.3484T>A), located in coding exon 23 of the RAD50 gene, results from a T to A substitution at nucleotide position 3484. The tyrosine at codon 1162 is replaced by asparagine, an amino acid with dissimilar properties. This amino acid position is conserved. In addition, this alteration is predicted to be deleterious by in silico analysis. Based on the available evidence, the clinical significance of this alteration remains unclear.

PreventionGenetics, part of Exact Sciences
Classification: Uncertain significance for RAD50-related condition. Last evaluated: 2023-05-18. Review status: criteria provided, single submitter. Criteria: ACMG Guidelines, 2015. Collection method: clinical testing. Allele origin: germline.
Comment: The RAD50 c.3484T>A variant is predicted to result in the amino acid substitution p.Tyr1162Asn. To our knowledge, this variant has not been reported in the literature or in a large population database, indicating this variant is rare. At this time, the clinical significance of this variant is uncertain due to the absence of conclusive functional and genetic evidence.